The following is an entry in ClinVar:

ClinVar aggregate classification (germline): Likely benign. Review status: criteria provided, multiple submitters, no conflicts (2 of 4 stars). 3 submissions from 3 submitters: Likely benign (3). Last evaluated 2025-11-17.

Conditions:
Aortic aneurysm, familial thoracic 4 (AAT4). Also called: AORTIC ANEURYSM/AORTIC DISSECTION AND PATENT DUCTUS ARTERIOSUS. Identifiers: MedGen C1851504, MONDO:0007568, OMIM 132900.

Allele frequency attached by ClinVar (database versions not stated): ExAC 0.00002; gnomAD exomes 0.00002; TOPMed 0.00002; gnomAD 0.00003 and 0.00004.
gnomAD v4.1: 24 of 1,612,604 alleles (0.0015%); highest among the groups gnomAD compares: African/African-American, 0.0067%; no homozygotes.

Submissions (3):

Labcorp Genetics (formerly Invitae), Labcorp
Classification: Likely benign for Aortic aneurysm, familial thoracic 4. Last evaluated: 2025-11-17. Review status: criteria provided, single submitter. Criteria: Invitae Variant Classification Sherloc (09022015). Collection method: clinical testing. Allele origin: germline.

Blueprint Genetics
Classification: Likely benign. Last evaluated: 2023-09-05. Review status: criteria provided, single submitter. Criteria: ACMG Guidelines, 2015. Collection method: clinical testing. Allele origin: germline.

GeneDx
Classification: Likely benign. Last evaluated: 2018-03-06. Review status: criteria provided, single submitter. Criteria: GeneDx Variant Classification (06012015). Collection method: clinical testing. Allele origin: germline. Affected: yes.
Comment: This variant is considered likely benign or benign based on one or more of the following criteria: it is a conservative change, it occurs at a poorly conserved position in the protein, it is predicted to be benign by multiple in silico algorithms, and/or has population frequency not consistent with disease.

NM_002474.3(MYH11):c.5786+18C>T

Genes: MYH11 (myosin heavy chain 11; minus strand), NDE1 (nudE neurodevelopment protein 1; plus strand). Cytogenetic location: 16p13.11.
Variant type: single nucleotide variant.
Coding change: c.5786+18C>T on transcript NM_002474.3 (MANE Select); 18 bases into the intron after coding-DNA position 5786, C replaced by T.
Molecular consequence: intron variant.
Genome position (GRCh38, 1-based): chr16:15,714,891, G>A on the plus strand (C>T on the coding strand, the complement: MYH11 is on the minus strand). VCF-style: chr16-15714891-G-A. GRCh37 (hg19) VCF-style: chr16-15808748-G-A.
Other names: c.948-9300G>A (NM_001143979.2, NM_017668.3); c.5786+18C>T (NM_022844.3); c.5807+18C>T (NM_001040114.2, NM_001040113.2).
Identifiers: ClinVar variation 515818 (VCV000515818.9), dbSNP rs769309834, ClinGen allele CA7921139.
Genomic context (GRCh38, chr16:15,714,891, plus strand): 5'-AGGCCGAAAGGAGCCCGAGCCCCCAGTGCTTTTCTCTGGCCTGAGAGACGGGGTCCTCCC[G>A]GGCCACGGGCTCCTCACCTGAGCTTGCTCTTGAGTGCGTTCACCTCGCGGCCCATGGCCT-3'